The following is an entry in ClinVar:

ClinVar aggregate classification (germline): Likely pathogenic (1 of 4 stars; one submission).

Conditions:
Kabuki syndrome 1 (KABUK1). Also called: KMT2D-Related Kabuki Syndrome. Identifiers: Orphanet 2322, MedGen CN030661, MONDO:0007843, OMIM 147920.

Submission:

3billion
Classification: Likely pathogenic for Kabuki syndrome 1. Last evaluated: 2025-07-17. Review status: criteria provided, single submitter. Criteria: ACMG Guidelines, 2015. Collection method: clinical testing. Allele origin: germline. Affected: yes.
Comment: The variant is not observed in the gnomAD v4.1.0 dataset. Predicted Consequence/Location: Frameshift: predicted to result in a loss or disruption of normal protein function through nonsense-mediated decay (NMD) or protein truncation. Multiple pathogenic variants are reported downstream of the variant. Therefore, this variant is classified as Likely pathogenic according to the recommendation of ACMG/AMP guideline.

NM_003482.4(KMT2D):c.13677_13716dup (p.Phe4573fs)

Gene: KMT2D (lysine methyltransferase 2D; minus strand). Cytogenetic location: 12q13.12.
Variant type: Duplication.
Coding change: c.13677_13716dup on transcript NM_003482.4 (MANE Select); coding-DNA positions 13677 to 13716, 40 bases duplicated.
Protein change: p.Phe4573fs; shifts the reading frame from phenylalanine 4573.
Molecular consequence: frameshift variant.
Genome position (GRCh38, 1-based): chr12:49,030,724-49,030,763, 40 bases duplicated; duplicating any 40 consecutive bases within chr12:49,030,724-49,030,764 gives the same sequence; the c. name uses the placement nearest the transcript's 3' end. GRCh37 (hg19): chr12:49,424,508-49,424,547.
Other names: short protein forms F4573fs.
Identifiers: ClinVar variation 4854351 (VCV004854351.1).